The following is an entry in ClinVar:

ClinVar aggregate classification (germline): Uncertain significance. Review status: criteria provided, multiple submitters, no conflicts (2 of 4 stars). 5 submissions from 5 submitters: Uncertain significance (5). Last evaluated 2024-12-06.

Conditions:
Hereditary cancer-predisposing syndrome. Also called: Neoplastic Syndromes, Hereditary; Hereditary Cancer Syndrome; Tumor predisposition; Hereditary neoplastic syndrome. Identifiers: Orphanet 140162, MedGen C0027672, MeSH D009386, MONDO:0015356.
Ataxia-telangiectasia syndrome (AT). Also called: Ataxia-telangiectasia, complementation group D; AT, COMPLEMENTATION GROUP C; Ataxia-telangiectasia, complementation group E; Cerebello-oculocutaneous telangiectasia; Immunodeficiency with ataxia telangiectasia; ATAXIA-TELANGIECTASIA, COMPLEMENTATION GROUP A. Identifiers: Orphanet 100, MedGen C0004135, MONDO:0008840, OMIM 208900.

Allele frequency attached by ClinVar (database versions not stated): gnomAD exomes below 0.00001; ExAC 0.00001; ESP Exome Variant Server 0.00008.
gnomAD v4.1: 1 of 1,613,988 alleles (0.000062%); highest among the groups gnomAD compares: Non-Finnish European, 0.000085%; no homozygotes.

Submissions (5):

Ambry Genetics
Classification: Uncertain significance for Hereditary cancer-predisposing syndrome. Last evaluated: 2024-12-06. Review status: criteria provided, single submitter. Criteria: Ambry Variant Classification Scheme 2023. Collection method: clinical testing. Allele origin: germline.
Comment: The p.L1862F variant (also known as c.5584C>T), located in coding exon 36 of the ATM gene, results from a C to T substitution at nucleotide position 5584. The leucine at codon 1862 is replaced by phenylalanine, an amino acid with highly similar properties. This amino acid position is conserved. In addition, the in silico prediction for this alteration is inconclusive. Based on the available evidence, the clinical significance of this variant remains unclear.

Labcorp Genetics (formerly Invitae), Labcorp
Classification: Uncertain significance for Ataxia-telangiectasia syndrome. Last evaluated: 2024-06-26. Review status: criteria provided, single submitter. Criteria: Invitae Variant Classification Sherloc (09022015). Collection method: clinical testing. Allele origin: germline.
Comment: This sequence change replaces leucine, which is neutral and non-polar, with phenylalanine, which is neutral and non-polar, at codon 1862 of the ATM protein (p.Leu1862Phe). This variant is present in population databases (rs149362482, gnomAD 0.0009%). This variant has not been reported in the literature in individuals affected with ATM-related conditions. ClinVar contains an entry for this variant (Variation ID: 584794). An algorithm developed to predict the effect of missense changes on protein structure and function (PolyPhen-2) suggests that this variant is likely to be disruptive. In summary, the available evidence is currently insufficient to determine the role of this variant in disease. Therefore, it has been classified as a Variant of Uncertain Significance.

Color Diagnostics, LLC DBA Color Health
Classification: Uncertain significance for Hereditary cancer-predisposing syndrome. Last evaluated: 2024-03-06. Review status: criteria provided, single submitter. Criteria: ACMG Guidelines, 2015. Collection method: clinical testing. Allele origin: germline.
Comment: This missense variant replaces leucine with phenylalanine at codon 1862 of the ATM protein. Computational prediction is inconclusive regarding the impact of this variant on protein structure and function (internally defined REVEL score threshold 0.5 < inconclusive < 0.7, PMID: 27666373). To our knowledge, functional studies have not been reported for this variant. This variant has not been reported in individuals affected with hereditary cancer in the literature. This variant has been identified in 1/250984 chromosomes in the general population by the Genome Aggregation Database (gnomAD). The available evidence is insufficient to determine the role of this variant in disease conclusively. Therefore, this variant is classified as a Variant of Uncertain Significance.

Sema4
Classification: Uncertain significance for Hereditary cancer-predisposing syndrome. Last evaluated: 2021-04-16. Review status: criteria provided, single submitter. Criteria: Sema4 Curation Guidelines. Collection method: curation. Allele origin: germline.
Comment: To the best of our knowledge, the ATM c.5584C>T (p.L1862F) variant has not been reported in individuals with ATM-related disease. It was observed in 1/113406 chromosomes of the Non-Finnish European subpopulation in the large and broad cohorts of the Genome Aggregation Database. The variant has been reported in ClinVar (Variation ID 584794). In silico tools suggest the impact of the variant on protein function is inconclusive, though these predictions have not been confirmed by functional studies. The evidence is insufficient to meet ACMG/AMP criteria for classifying the variant as benign or pathogenic. Thus, the clinical significance of this variant is currently uncertain.

Mendelics
Classification: Uncertain significance for Ataxia-telangiectasia syndrome. Last evaluated: 2018-07-02. Review status: criteria provided, single submitter. Criteria: Mendelics Assertion Criteria 2017. Collection method: clinical testing. Allele origin: unknown.

NM_000051.4(ATM):c.5584C>T (p.Leu1862Phe)

Gene: ATM (ATM serine/threonine kinase; plus strand). Cytogenetic location: 11q22.3.
Variant type: single nucleotide variant.
Coding change: c.5584C>T on transcript NM_000051.4 (MANE Select); coding-DNA position 5584, C replaced by T.
Protein change: p.Leu1862Phe; replaces leucine 1862 with phenylalanine.
Molecular consequence: missense variant.
Genome position (GRCh38, 1-based): chr11:108,304,762, C>T. VCF-style: chr11-108304762-C-T. GRCh37 (hg19) VCF-style: chr11-108175489-C-T.
Other names: c.5584C>T, p.Leu1862Phe (NM_001351834.2); short protein forms L1862F.
Identifiers: ClinVar variation 584794 (VCV000584794.11), dbSNP rs149362482, ClinGen allele CA6265732.